The following is an entry in ClinVar:

ClinVar aggregate classification (germline): Likely pathogenic (1 of 4 stars; one submission).

Conditions:
Chédiak-Higashi syndrome (CHS). Also called: Chediak-Higashi Syndrome. Identifiers: Orphanet 167, MedGen C0007965, MONDO:0008963, OMIM 214500.

gnomAD v4.1: 1 of 1,612,564 alleles (0.000062%); highest among the groups gnomAD compares: African/African-American, 0.0013%; no homozygotes.

Submissions (2):

Labcorp Genetics (formerly Invitae), Labcorp
Classification: Likely pathogenic for Chédiak-Higashi syndrome. Last evaluated: 2026-01-18. Review status: criteria provided, single submitter. Criteria: Invitae Variant Classification Sherloc (09022015). Collection method: clinical testing. Allele origin: germline.
Comment: This sequence change affects an acceptor splice site in intron 27 of the LYST gene. It is expected to disrupt RNA splicing. Variants that disrupt the donor or acceptor splice site typically lead to a loss of protein function (PMID: 16199547), and loss-of-function variants in LYST are known to be pathogenic (PMID: 9215679, 11857544). This variant is present in population databases (rs764555650, gnomAD 0.007%). This variant has not been reported in the literature in individuals affected with LYST-related conditions. Algorithms developed to predict the effect of sequence changes on RNA splicing suggest that this variant may disrupt the consensus splice site. In summary, the currently available evidence indicates that the variant is pathogenic, but additional data are needed to prove that conclusively. Therefore, this variant has been classified as Likely Pathogenic.

Dr. Peter K. Rogan Lab, Western University
No classification provided (evidence only). Condition: Thyroid cancer, nonmedullary, 1. Review status: no classification provided. Collection method: in vitro. Allele origin: not applicable. Functional consequence: retained intron. Not counted in ClinVar's aggregate classification.

Literature cited by the submitters: PubMed 16199547 (cited by Labcorp Genetics (formerly Invitae), Labcorp); PubMed 9215679 (cited by Labcorp Genetics (formerly Invitae), Labcorp); PubMed 11857544 (cited by Labcorp Genetics (formerly Invitae), Labcorp).

NM_000081.4(LYST):c.7628-1G>A

Gene: LYST (lysosomal trafficking regulator; minus strand). Cytogenetic location: 1q42.3.
Variant type: single nucleotide variant.
Coding change: c.7628-1G>A on transcript NM_000081.4 (MANE Select); the canonical splice acceptor site of the intron before coding-DNA position 7628, G replaced by A.
Molecular consequence: splice acceptor variant.
Genome position (GRCh38, 1-based): chr1:235,751,363, C>T on the plus strand (G>A on the coding strand, the complement: LYST is on the minus strand). VCF-style: chr1-235751363-C-T. GRCh37 (hg19) VCF-style: chr1-235914663-C-T.
Other names: NC_000001.10:g.235914663C>T; c.7628-1G>A (NM_001301365.1).
Identifiers: ClinVar variation 4390407 (VCV004390407.2).